The following is an entry in ClinVar:

ClinVar aggregate classification (germline): Conflicting classifications of pathogenicity. Review status: criteria provided, conflicting classifications (1 of 4 stars). 9 submissions from 9 submitters: Uncertain significance (8); Likely benign (1). Last evaluated 2026-03-10.

Conditions:
Cardiovascular phenotype. Identifiers: MedGen CN230736.
Woolly hair-skin fragility syndrome (WHSF). Identifiers: Orphanet 293165, MedGen C1843292, MONDO:0957307, OMIM 620415.
Cardiomyopathy, dilated, with wooly hair, keratoderma, and tooth agenesis. Also called: Erythrokeratodermia-cardiomyopathy syndrome; Cardiomyopathy, dilated, with woolly hair, keratoderma, and tooth agenesis. Identifiers: Orphanet 476096, Orphanet 65282, MedGen C4014393, MONDO:0014355, OMIM 615821.
Keratosis palmoplantaris striata 2. Also called: Keratosis palmoplantaris striata II; KERATODERMA, PALMOPLANTAR, STRIATE FORM II; STRIATE PALMOPLANTAR KERATODERMA II. Identifiers: MedGen C1852127, MONDO:0013034, OMIM 612908.
Lethal acantholytic epidermolysis bullosa (EBLA). Identifiers: Orphanet 158687, MedGen C1864826, MONDO:0012323, OMIM 609638.
Arrhythmogenic cardiomyopathy with wooly hair and keratoderma. Also called: PALMOPLANTAR KERATODERMA WITH LEFT VENTRICULAR CARDIOMYOPATHY AND WOOLLY HAIR; Dilated cardiomyopathy with woolly hair and keratoderma; Arrhythmogenic cardiomyopathy with woolly hair and keratoderma; Carvajal syndrome. Identifiers: Orphanet 65282, MedGen C1854063, MONDO:0011581, OMIM 605676.
Arrhythmogenic right ventricular dysplasia 8 (ARVD8). Also called: Arrhythmogenic Right Ventricular Dysplasia/Cardiomyopathy 8; ARRHYTHMOGENIC RIGHT VENTRICULAR CARDIOMYOPATHY 8; ARRHYTHMOGENIC RIGHT VENTRICULAR DYSPLASIA, FAMILIAL, 8. Identifiers: MedGen C1843896, MONDO:0011831, OMIM 607450.
Cardiomyopathy (CMYO). Also called: Cardiomyopathies. Identifiers: Orphanet 167848, MedGen C0878544, MONDO:0004994, HP:0001638. Inheritance: Various modes of inheritance.

Allele frequency attached by ClinVar (database versions not stated): gnomAD 0.00003; TOPMed 0.00003; ExAC 0.00004; gnomAD exomes 0.00004 and 0.00006.
gnomAD v4.1: 92 of 1,614,034 alleles (0.0057%); highest among the groups gnomAD compares: Non-Finnish European, 0.0072%; no homozygotes.

Submissions (9):

Ambry Genetics
Classification: Uncertain significance for Cardiovascular phenotype. Last evaluated: 2026-03-10. Review status: criteria provided, single submitter. Criteria: Ambry Variant Classification Scheme 2023. Collection method: clinical testing. Allele origin: germline.
Comment: The p.R2639W variant (also known as c.7915C>T), located in coding exon 24 of the DSP gene, results from a C to T substitution at nucleotide position 7915. The arginine at codon 2639 is replaced by tryptophan, an amino acid with dissimilar properties. This variant was reported in individual(s) with features consistent with DSP-related cardiomyopathy (Fressart V et al. Europace, 2010 Jun;12:861-8). This amino acid position is highly conserved in available vertebrate species. In addition, this alteration is predicted to be deleterious by in silico analysis. Based on the available evidence, the clinical significance of this variant remains unclear.

Labcorp Genetics (formerly Invitae), Labcorp
Classification: Likely benign for Arrhythmogenic cardiomyopathy with wooly hair and keratoderma; Arrhythmogenic right ventricular dysplasia 8. Last evaluated: 2025-12-26. Review status: criteria provided, single submitter. Criteria: Invitae Variant Classification Sherloc (09022015). Collection method: clinical testing. Allele origin: germline.

Color Diagnostics, LLC DBA Color Health
Classification: Uncertain significance for Cardiomyopathy. Last evaluated: 2025-06-09. Review status: criteria provided, single submitter. Criteria: ACMG Guidelines, 2015. Collection method: clinical testing. Allele origin: germline.
Comment: This missense variant replaces arginine with tryptophan at codon 2639 of the DSP protein. Computational prediction is inconclusive regarding the impact of this variant on protein structure and function. To our knowledge, functional studies have not been reported for this variant. This variant has been reported in an individual affected with arrhythmogenic right ventricular cardiomyopathy (PMID: 20400443) and in an infant affected with sudden unexpected death (PMID: 38895864). This variant has been identified in 11/282210 chromosomes in the general population by the Genome Aggregation Database (gnomAD). The available evidence is insufficient to determine the role of this variant in disease conclusively. Therefore, this variant is classified as a Variant of Uncertain Significance.

Molecular Diagnostic Laboratory for Inherited Cardiovascular Disease, Montreal Heart Institute
Classification: Uncertain significance for Cardiovascular phenotype. Last evaluated: 2025-02-17. Review status: criteria provided, single submitter. Criteria: ACMG Guidelines, 2015. Collection method: clinical testing. Allele origin: germline. Affected: yes.

Blueprint Genetics
Classification: Uncertain significance. Last evaluated: 2024-10-22. Review status: criteria provided, single submitter. Criteria: ACMG Guidelines, 2015. Collection method: clinical testing. Allele origin: germline.

All of Us Research Program, National Institutes of Health
Classification: Uncertain significance for Arrhythmogenic cardiomyopathy with wooly hair and keratoderma. Last evaluated: 2024-09-23. Review status: criteria provided, single submitter. Criteria: ACMG Guidelines, 2015. Collection method: clinical testing. Allele origin: germline. Inheritance: Autosomal dominant inheritance. Observed: 14 variant alleles, 14 heterozygotes.
Comment: This missense variant replaces arginine with tryptophan at codon 2639 of the DSP protein. Computational prediction is inconclusive regarding the impact of this variant on protein structure and function (internally defined REVEL score threshold 0.5 < inconclusive < 0.7, PMID: 27666373). To our knowledge, functional studies have not been reported for this variant. This variant has been reported in one individual affected with arrhythmogenic right ventricular dysplasia/cardiomyopathy (PMID: 20400443). This variant has been identified in 11/282210 chromosomes in the general population by the Genome Aggregation Database (gnomAD). The available evidence is insufficient to determine the role of this variant in disease conclusively. Therefore, this variant is classified as a Variant of Uncertain Significance.

This study involves interpretation of variants in research participants for the purpose of population health screening. Participant phenotype was not available at the time of variant classification. Additional details can be found in publication PMID: 35346344, PMCID: PMC8962531

GeneDx
Classification: Uncertain significance. Last evaluated: 2024-08-26. Review status: criteria provided, single submitter. Criteria: GeneDx Variant Classification Process June 2021. Collection method: clinical testing. Allele origin: germline. Affected: yes.
Comment: Identified in a patient with arrhythmogenic cardiomyopathy and in a case of Sudden Unexpected Infant Death (SUID) (PMID: 38895864, 20400443); In silico analysis supports that this missense variant has a deleterious effect on protein structure/function; This variant is associated with the following publications: (PMID: 38895864, 20400443)

Fulgent Genetics
Classification: Uncertain significance for Arrhythmogenic cardiomyopathy with wooly hair and keratoderma; Arrhythmogenic right ventricular dysplasia 8; Lethal acantholytic epidermolysis bullosa; Keratosis palmoplantaris striata 2; Cardiomyopathy, dilated, with wooly hair, keratoderma, and tooth agenesis. Last evaluated: 2021-09-13. Review status: criteria provided, single submitter. Criteria: ACMG Guidelines, 2015. Collection method: clinical testing. Allele origin: unknown.

Stanford Center for Inherited Cardiovascular Disease, Stanford University
Classification: Uncertain significance. Last evaluated: 2017-02-06. Review status: criteria provided, single submitter. Criteria: ACMG Guidelines, 2015. Collection method: provider interpretation. Allele origin: germline.

Literature cited by the submitters: PubMed 20400443 (cited by 3 submitters); PubMed 38895864 (cited by Color Diagnostics, LLC DBA Color Health).

NM_004415.4(DSP):c.7915C>T (p.Arg2639Trp)

Gene: DSP (desmoplakin; plus strand). Cytogenetic location: 6p24.3.
Variant type: single nucleotide variant.
Coding change: c.7915C>T on transcript NM_004415.4 (MANE Select); coding-DNA position 7915, C replaced by T.
Protein change: p.Arg2639Trp; replaces arginine 2639 with tryptophan.
Molecular consequence: missense variant.
Genome position (GRCh38, 1-based): chr6:7,585,177, C>T. VCF-style: chr6-7585177-C-T. GRCh37 (hg19) VCF-style: chr6-7585410-C-T.
Other names: c.6118C>T, p.Arg2040Trp (NM_001008844.3); c.6586C>T, p.Arg2196Trp (NM_001319034.2); c.7915C>T (NM_004415.3, LRG_423t1); short protein forms R2639W, R2040W, R2196W.
Identifiers: ClinVar variation 405230 (VCV000405230.25), dbSNP rs771553674, ClinGen allele CA051144.
Genomic context (GRCh38, chr6:7,585,177, plus strand): 5'-ATTGCAGCCATCTTTGACACAGAAAACCTGGAGAAAATCTCCATTACAGAAGGTATAGAG[C>T]GGGGCATCGTTGACAGCATCACGGGTCAGAGGCTTCTGGAGGCTCAGGCCTGCACAGGTG-3'
Protein context (NP_004406.2, residues 2629-2649): EKISITEGIE[Arg2639Trp]GIVDSITGQR